The following is an entry in ClinVar:

ClinVar aggregate classification (germline): Uncertain significance. Review status: criteria provided, multiple submitters, no conflicts (2 of 4 stars). 2 submissions from 2 submitters: Uncertain significance (2). Last evaluated 2024-02-26.

Conditions:
Tuberous sclerosis 1 (TSC1). Identifiers: Orphanet 805, MedGen C1854465, MONDO:0008612, OMIM 191100.
Hereditary cancer-predisposing syndrome. Also called: Hereditary Cancer Syndrome; Neoplastic Syndromes, Hereditary; Hereditary neoplastic syndrome; Tumor predisposition. Identifiers: Orphanet 140162, MedGen C0027672, MeSH D009386, MONDO:0015356.

Submissions (2):

Ambry Genetics
Classification: Uncertain significance for Hereditary cancer-predisposing syndrome. Last evaluated: 2024-02-26. Review status: criteria provided, single submitter. Criteria: Ambry Variant Classification Scheme 2023. Collection method: clinical testing. Allele origin: germline.
Comment: The p.P327L variant (also known as c.980C>T), located in coding exon 8 of the TSC1 gene, results from a C to T substitution at nucleotide position 980. The proline at codon 327 is replaced by leucine, an amino acid with similar properties. This amino acid position is conserved. In addition, the in silico prediction for this alteration is inconclusive. Based on the available evidence, the clinical significance of this alteration remains unclear.

Labcorp Genetics (formerly Invitae), Labcorp
Classification: Uncertain significance for Tuberous sclerosis 1. Last evaluated: 2022-06-03. Review status: criteria provided, single submitter. Criteria: Invitae Variant Classification Sherloc (09022015). Collection method: clinical testing. Allele origin: germline.
Comment: This sequence change replaces proline, which is neutral and non-polar, with leucine, which is neutral and non-polar, at codon 327 of the TSC1 protein (p.Pro327Leu). This variant is not present in population databases (gnomAD no frequency). This variant has not been reported in the literature in individuals affected with TSC1-related conditions. Algorithms developed to predict the effect of missense changes on protein structure and function are either unavailable or do not agree on the potential impact of this missense change (SIFT: "Tolerated"; PolyPhen-2: "Possibly Damaging"; Align-GVGD: "Class C0"). In summary, the available evidence is currently insufficient to determine the role of this variant in disease. Therefore, it has been classified as a Variant of Uncertain Significance.

NM_000368.5(TSC1):c.980C>T (p.Pro327Leu)

Gene: TSC1 (TSC complex subunit 1; minus strand). Cytogenetic location: 9q34.13.
Variant type: single nucleotide variant.
Coding change: c.980C>T on transcript NM_000368.5 (MANE Select); coding-DNA position 980, C replaced by T.
Protein change: p.Pro327Leu; replaces proline 327 with leucine.
Molecular consequence: missense variant.
Genome position (GRCh38, 1-based): chr9:132,911,502, G>A on the plus strand (C>T on the coding strand, the complement: TSC1 is on the minus strand). VCF-style: chr9-132911502-G-A. GRCh37 (hg19) VCF-style: chr9-135786889-G-A.
Other names: c.980C>T, p.Pro327Leu (NM_001162426.2, NM_001406592.1, NM_001406593.1 and 16 more transcripts); c.827C>T, p.Pro276Leu (NM_001162427.2, NM_001406610.1, NM_001406611.1 and 2 more transcripts); c.617C>T, p.Pro206Leu (NM_001362177.2, NM_001406623.1, NM_001406624.1 and 10 more transcripts); c.29C>T, p.Pro10Leu (NM_001406626.1, NM_001406627.1, NM_001406628.1); c.-114C>T (NM_001406629.1, NM_001406630.1); short protein forms P206L, P276L, P10L, P327L.
Identifiers: ClinVar variation 1992964 (VCV001992964.5), dbSNP rs2131977806, ClinGen allele CA375368630.